The following is an entry in ClinVar:

ClinVar aggregate classification (germline): Uncertain significance (1 of 4 stars; one submission).

Conditions:
Dilated cardiomyopathy 1DD (CMD1DD). Identifiers: Orphanet 154, MedGen C2750995, MONDO:0013168, OMIM 613172.

Allele frequency attached by ClinVar (database versions not stated): gnomAD exomes below 0.00001; gnomAD 0.00001 and 0.00003; TOPMed 0.00001; ExAC 0.00005; 1000 Genomes Project 30x 0.00016; 1000 Genomes Project 0.00020.
gnomAD v4.1: 5 of 1,551,876 alleles (0.00032%); highest among the groups gnomAD compares: African/African-American, 0.0068%; no homozygotes.

Submission:

Labcorp Genetics (formerly Invitae), Labcorp
Classification: Uncertain significance for Dilated cardiomyopathy 1DD. Last evaluated: 2024-02-02. Review status: criteria provided, single submitter. Criteria: Invitae Variant Classification Sherloc (09022015). Collection method: clinical testing. Allele origin: germline.
Comment: This sequence change replaces glycine, which is neutral and non-polar, with glutamic acid, which is acidic and polar, at codon 379 of the RBM20 protein (p.Gly379Glu). This variant is not present in population databases (gnomAD no frequency). This variant has not been reported in the literature in individuals affected with RBM20-related conditions. ClinVar contains an entry for this variant (Variation ID: 1431292). Advanced modeling of protein sequence and biophysical properties (such as structural, functional, and spatial information, amino acid conservation, physicochemical variation, residue mobility, and thermodynamic stability) performed at Invitae indicates that this missense variant is not expected to disrupt RBM20 protein function with a negative predictive value of 95%. In summary, the available evidence is currently insufficient to determine the role of this variant in disease. Therefore, it has been classified as a Variant of Uncertain Significance.

NM_001134363.3(RBM20):c.1136G>A (p.Gly379Glu)

Gene: RBM20 (RNA binding motif protein 20; plus strand). Cytogenetic location: 10q25.2.
Variant type: single nucleotide variant.
Coding change: c.1136G>A on transcript NM_001134363.3 (MANE Select); coding-DNA position 1136, G replaced by A.
Protein change: p.Gly379Glu; replaces glycine 379 with glutamic acid.
Molecular consequence: missense variant.
Genome position (GRCh38, 1-based): chr10:110,781,745, G>A. VCF-style: chr10-110781745-G-A. GRCh37 (hg19) VCF-style: chr10-112541503-G-A.
Other names: short protein forms G379E.
Identifiers: ClinVar variation 1431292 (VCV001431292.8), dbSNP rs577020509, ClinGen allele CA5688557.